The following is an entry in ClinVar:

NM_014680.5(BLTP2):c.4522A>G (p.Thr1508Ala)

Gene: BLTP2 (bridge-like lipid transfer protein family member 2; minus strand). Cytogenetic location: 17q11.2.
Variant type: single nucleotide variant.
Coding change: c.4522A>G on transcript NM_014680.5 (MANE Select); coding-DNA position 4522, A replaced by G.
Protein change: p.Thr1508Ala; replaces threonine 1508 with alanine.
Molecular consequence: missense variant.
Genome position (GRCh38, 1-based): chr17:28,628,337, T>C on the plus strand (A>G on the coding strand, the complement: BLTP2 is on the minus strand). VCF-style: chr17-28628337-T-C. GRCh37 (hg19) VCF-style: chr17-26955355-T-C.
Other names: c.4519A>G, p.Thr1507Ala (NM_001321560.2); c.4093A>G, p.Thr1365Ala (NM_001363826.1); c.3517A>G, p.Thr1173Ala (NM_001363827.1); c.2497A>G, p.Thr833Ala (NM_001363828.1); c.2494A>G, p.Thr832Ala (NM_001363829.1); short protein forms T1173A, T1365A, T1507A, T1508A, T832A, T833A.
Identifiers: ClinVar variation 2647593 (VCV002647593.24), dbSNP rs117706969, ClinGen allele CA8462739.

ClinVar aggregate classification (germline): Likely benign (1 of 4 stars; one submission).

Allele frequency attached by ClinVar (database versions not stated): 1000 Genomes Project 30x 0.00375; 1000 Genomes Project 0.00419; TOPMed 0.00454; ESP Exome Variant Server 0.00484; gnomAD 0.00762; ExAC 0.00796; gnomAD exomes 0.00874.
gnomAD v4.1: 13,821 of 1,614,200 alleles (0.86%); highest among the groups gnomAD compares: Non-Finnish European, 0.87%; 107 homozygotes.

Submission:

CeGaT Center for Human Genetics Tuebingen
Classification: Likely benign. Last evaluated: 2023-04-01. Review status: criteria provided, single submitter. Criteria: CeGaT Center For Human Genetics Tuebingen Variant Classification Criteria Version 2. Collection method: clinical testing. Allele origin: germline. Affected: yes. Observed: 1 variant allele.
Comment: BLTP2: BP4, BS2